The following is an entry in ClinVar:

NM_000789.4(ACE):c.465G>C (p.Lys155Asn)

Gene: ACE (angiotensin I converting enzyme; plus strand). Cytogenetic location: 17q23.3.
Variant type: single nucleotide variant.
Coding change: c.465G>C on transcript NM_000789.4 (MANE Select); coding-DNA position 465, G replaced by C.
Protein change: p.Lys155Asn; replaces lysine 155 with asparagine.
Molecular consequence: missense variant.
Genome position (GRCh38, 1-based): chr17:63,479,054, G>C. VCF-style: chr17-63479054-G-C. GRCh37 (hg19) VCF-style: chr17-61556415-G-C.
Other names: short protein forms K155N.
Identifiers: ClinVar variation 892186 (VCV000892186.8), dbSNP rs143320537, ClinGen allele CA8699082.

ClinVar aggregate classification (germline): Uncertain significance. Review status: criteria provided, multiple submitters, no conflicts (2 of 4 stars). 4 submissions from 4 submitters: Uncertain significance (4). Last evaluated 2024-08-16.

Conditions:
Renal tubular dysgenesis of genetic origin. Also called: PRIMITIVE RENAL TUBULE SYNDROME. Identifiers: Orphanet 97369, MedGen C5681536, MONDO:0009970, OMIM 267430.
Renal tubular dysgenesis. Also called: Renotubular dysgenesis. Identifiers: Orphanet 3033, MedGen C0266313, MONDO:0017609, HP:0008660.

Allele frequency attached by ClinVar (database versions not stated): TOPMed 0.00031; gnomAD 0.00032 and 0.00034; gnomAD exomes 0.00032; ExAC 0.00037; ESP Exome Variant Server 0.00038; 1000 Genomes Project 0.00040; 1000 Genomes Project 30x 0.00047.
gnomAD v4.1: 537 of 1,613,702 alleles (0.033%); highest among the groups gnomAD compares: Middle Eastern, 0.16%; no homozygotes.

Submissions (4):

Clinical Genomics Laboratory, Washington University in St. Louis
Classification: Uncertain significance for Renal tubular dysgenesis of genetic origin. Last evaluated: 2024-08-16. Review status: criteria provided, single submitter. Criteria: ACMG Guidelines, 2015. Collection method: clinical testing. Allele origin: germline.
Comment: An ACE c.465G>C (p.Lys155Asn) variant was identified. This variant, to our knowledge, has not been reported in the medical literature. It is observed on 92/281,926 alleles in the general population (gnomAD v.2.1.1) and has been reported in the ClinVar database as a variant of uncertain clinical significance by two submitters (ClinVar Variation ID: 892186). Computational predictors suggest that the variant does not impact ACE function. Due to limited information, and based on the ACMG/AMP guidelines for variant interpretation (Richards S et al., PMID: 25741868), the clinical significance of the ACE c.465G>C (p.Lys155Asn) variant is uncertain at this time.

Labcorp Genetics (formerly Invitae), Labcorp
Classification: Uncertain significance. Last evaluated: 2022-10-13. Review status: criteria provided, single submitter. Criteria: Invitae Variant Classification Sherloc (09022015). Collection method: clinical testing. Allele origin: germline.
Comment: This sequence change replaces lysine, which is basic and polar, with asparagine, which is neutral and polar, at codon 155 of the ACE protein (p.Lys155Asn). This variant is present in population databases (rs143320537, gnomAD 0.06%). This variant has not been reported in the literature in individuals affected with ACE-related conditions. ClinVar contains an entry for this variant (Variation ID: 892186). Advanced modeling of protein sequence and biophysical properties (such as structural, functional, and spatial information, amino acid conservation, physicochemical variation, residue mobility, and thermodynamic stability) performed at Invitae indicates that this missense variant is not expected to disrupt ACE protein function. In summary, the available evidence is currently insufficient to determine the role of this variant in disease. Therefore, it has been classified as a Variant of Uncertain Significance.

Illumina Laboratory Services, Illumina
Classification: Uncertain significance for Renal tubular dysgenesis of genetic origin. Last evaluated: 2018-01-13. Review status: criteria provided, single submitter. Criteria: ICSL Variant Classification Criteria 13 December 2019. Collection method: clinical testing. Allele origin: germline.

Breakthrough Genomics
Classification: Uncertain significance. Review status: criteria provided, single submitter. Criteria: ACMG Guidelines, 2015. Collection method: not provided. Allele origin: germline. Inheritance: Autosomal recessive inheritance. Affected: yes.